The following is an entry in ClinVar:

NM_212552.3(BOLA3):c.187T>A (p.Tyr63Asn)

Gene: BOLA3 (bolA family member 3; minus strand). Cytogenetic location: 2p13.1.
Variant type: single nucleotide variant.
Coding change: c.187T>A on transcript NM_212552.3 (MANE Select); coding-DNA position 187, T replaced by A.
Protein change: p.Tyr63Asn; replaces tyrosine 63 with asparagine.
Molecular consequence: missense variant. On other transcripts: intron variant (1).
Genome position (GRCh38, 1-based): chr2:74,142,343, A>T on the plus strand (T>A on the coding strand, the complement: BOLA3 is on the minus strand). VCF-style: chr2-74142343-A-T. GRCh37 (hg19) VCF-style: chr2-74369470-A-T.
Other names: c.169+2846T>A (NM_001035505.2); short protein forms Y63N.
Identifiers: ClinVar variation 1350519 (VCV001350519.6), dbSNP rs2103649966, ClinGen allele CA347311556.

ClinVar aggregate classification (germline): Uncertain significance (1 of 4 stars; one submission).

Submission:

Labcorp Genetics (formerly Invitae), Labcorp
Classification: Uncertain significance. Last evaluated: 2021-11-09. Review status: criteria provided, single submitter. Criteria: Invitae Variant Classification Sherloc (09022015). Collection method: clinical testing. Allele origin: germline.
Comment: This sequence change replaces tyrosine, which is neutral and polar, with asparagine, which is neutral and polar, at codon 63 of the BOLA3 protein (p.Tyr63Asn). This variant is not present in population databases (gnomAD no frequency). This variant has not been reported in the literature in individuals affected with BOLA3-related conditions. Algorithms developed to predict the effect of missense changes on protein structure and function (SIFT, PolyPhen-2, Align-GVGD) all suggest that this variant is likely to be disruptive. In summary, the available evidence is currently insufficient to determine the role of this variant in disease. Therefore, it has been classified as a Variant of Uncertain Significance.